The following is an entry in ClinVar:

NM_001151.4(SLC25A4):c.-103C>T

Genes: SLC25A4 (solute carrier family 25 member 4; plus strand), LOC129993501 (ATAC-STARR-seq lymphoblastoid silent region 15847; plus strand). Cytogenetic location: 4q35.1.
Variant type: single nucleotide variant.
Coding change: c.-103C>T on transcript NM_001151.4 (MANE Select); 103 bases upstream of the start codon, C replaced by T.
Molecular consequence: 5 prime UTR variant.
Genome position (GRCh38, 1-based): chr4:185,143,270, C>T. VCF-style: chr4-185143270-C-T. GRCh37 (hg19) VCF-style: chr4-186064424-C-T.
Identifiers: ClinVar variation 348242 (VCV000348242.5), dbSNP rs190592847, ClinGen allele CA10618348.

ClinVar aggregate classification (germline): Benign (1 of 4 stars; one submission).

Conditions:
Progressive external ophthalmoplegia with mitochondrial DNA deletions, autosomal dominant 2. Also called: PROGRESSIVE EXTERNAL OPHTHALMOPLEGIA, AUTOSOMAL DOMINANT 2. Identifiers: MedGen C1836460, MONDO:0012238, OMIM 609283.

Allele frequency attached by ClinVar (database versions not stated): 1000 Genomes Project 30x 0.00047; 1000 Genomes Project 0.00060; gnomAD 0.00067; TOPMed 0.00072.
gnomAD v4.1: 622 of 624,466 alleles (0.1%); highest among the groups gnomAD compares: Non-Finnish European, 0.15%; 3 homozygotes.

Submission:

Illumina Laboratory Services, Illumina
Classification: Benign for Progressive external ophthalmoplegia with mitochondrial DNA deletions, autosomal dominant 2. Last evaluated: 2018-01-13. Review status: criteria provided, single submitter. Criteria: ICSL Variant Classification Criteria 13 December 2019. Collection method: clinical testing. Allele origin: germline.
Comment: This variant was observed in the ICSL laboratory as part of a predisposition screen in an ostensibly healthy population. It had not been previously curated by ICSL or reported in the Human Gene Mutation Database (HGMD: prior to June 1st, 2018), and was therefore a candidate for classification through an automated scoring system. Utilizing variant allele frequency, disease prevalence and penetrance estimates, and inheritance mode, an automated score was calculated to assess if this variant is too frequent to cause the disease. Based on the score and internal cut-off values, a variant classified as benign is not then subjected to further curation. The score for this variant resulted in a classification of benign for this disease.